The following is an entry in ClinVar:

NM_000138.5(FBN1):c.881C>T (p.Thr294Ile)

Gene: FBN1 (fibrillin 1; minus strand). Cytogenetic location: 15q21.1.
Variant type: single nucleotide variant.
Coding change: c.881C>T on transcript NM_000138.5 (MANE Select); coding-DNA position 881, C replaced by T.
Protein change: p.Thr294Ile; replaces threonine 294 with isoleucine.
Molecular consequence: missense variant.
Genome position (GRCh38, 1-based): chr15:48,526,237, G>A on the plus strand (C>T on the coding strand, the complement: FBN1 is on the minus strand). VCF-style: chr15-48526237-G-A. GRCh37 (hg19) VCF-style: chr15-48818434-G-A.
Other names: c.881C>T, p.Thr294Ile (NM_001406716.1); short protein forms T294I.
Identifiers: ClinVar variation 3365104 (VCV003365104.2).

ClinVar aggregate classification (germline): Uncertain significance. Review status: criteria provided, multiple submitters, no conflicts (2 of 4 stars). 2 submissions from 2 submitters: Uncertain significance (2). Last evaluated 2024-03-24.

Conditions:
Marfan syndrome (MFS). Also called: MARFAN SYNDROME, TYPE I; Marfan syndrome type 1; Marfan's syndrome; FBN1-Related Marfan Syndrome; Marfan syndrome, classic. Identifiers: Orphanet 284963, Orphanet 558, MedGen C0024796, MONDO:0007947, OMIM 154700.

Submissions (2):

All of Us Research Program, National Institutes of Health
Classification: Uncertain significance for Marfan syndrome. Last evaluated: 2024-03-24. Review status: criteria provided, single submitter. Criteria: ACMG Guidelines, 2015. Collection method: clinical testing. Allele origin: germline. Inheritance: Autosomal dominant inheritance. Observed: 1 variant allele, 1 heterozygote.
Comment: This missense variant replaces threonine with isoleucine at codon 294 of the FBN1 protein. Computational prediction suggests that this variant may not impact protein structure and function (internally defined REVEL score threshold <= 0.5, PMID: 27666373). To our knowledge, functional studies have not been reported for this variant. This variant has not been reported in individuals affected with FBN1-related disorders in the literature. This variant has not been identified in the general population by the Genome Aggregation Database (gnomAD). The available evidence is insufficient to determine the role of this variant in disease conclusively. Therefore, this variant is classified as a Variant of Uncertain Significance.

This study involves interpretation of variants in research participants for the purpose of population health screening. Participant phenotype was not available at the time of variant classification. Additional details can be found in publication PMID: 35346344, PMCID: PMC8962531

GeneDx
Classification: Uncertain significance. Last evaluated: 2023-12-01. Review status: criteria provided, single submitter. Criteria: GeneDx Variant Classification Process June 2021. Collection method: clinical testing. Allele origin: germline. Affected: yes.
Comment: Has not been previously published as pathogenic or benign to our knowledge; Not observed at significant frequency in large population cohorts (gnomAD); In silico analysis supports that this missense variant does not alter protein structure/function; Although located in a calcium-binding EGF-like domain of the FBN1 gene, it does not affect a cysteine residue within this domain; cysteine substitutions in the calcium-binding EGF-like domains represent the majority of pathogenic missense changes associated with FBN1-related disorders (PMID: 12938084); This variant is associated with the following publications: (PMID: 12938084)